The following is an entry in ClinVar:

NM_001195263.2(PDZD7):c.1186G>T (p.Ala396Ser)

Gene: PDZD7 (PDZ domain containing 7; minus strand). Cytogenetic location: 10q24.31.
Variant type: single nucleotide variant.
Coding change: c.1186G>T on transcript NM_001195263.2 (MANE Select); coding-DNA position 1186, G replaced by T.
Protein change: p.Ala396Ser; replaces alanine 396 with serine.
Molecular consequence: missense variant.
Genome position (GRCh38, 1-based): chr10:101,018,960, C>A on the plus strand (G>T on the coding strand, the complement: PDZD7 is on the minus strand). VCF-style: chr10-101018960-C-A. GRCh37 (hg19) VCF-style: chr10-102778717-C-A.
Other names: c.1186G>T, p.Ala396Ser (NM_001351044.2, NM_024895.5); c.1186G>T (NM_001195263.1); short protein forms A396S.
Identifiers: ClinVar variation 1914340 (VCV001914340.6), dbSNP rs910111143, ClinGen allele CA212983998.

ClinVar aggregate classification (germline): Uncertain significance. Review status: criteria provided, multiple submitters, no conflicts (2 of 4 stars). 2 submissions from 2 submitters: Uncertain significance (2). Last evaluated 2025-08-30.

Conditions:
Inborn genetic diseases. Identifiers: MedGen C0950123, MeSH D030342.

Submissions (2):

Ambry Genetics
Classification: Uncertain significance for Inborn genetic diseases. Last evaluated: 2025-08-30. Review status: criteria provided, single submitter. Criteria: Ambry Variant Classification Scheme 2023. Collection method: clinical testing. Allele origin: germline.

Labcorp Genetics (formerly Invitae), Labcorp
Classification: Uncertain significance. Last evaluated: 2022-02-22. Review status: criteria provided, single submitter. Criteria: Invitae Variant Classification Sherloc (09022015). Collection method: clinical testing. Allele origin: germline.
Comment: This sequence change replaces alanine, which is neutral and non-polar, with serine, which is neutral and polar, at codon 396 of the PDZD7 protein (p.Ala396Ser). In summary, the available evidence is currently insufficient to determine the role of this variant in disease. Therefore, it has been classified as a Variant of Uncertain Significance. Algorithms developed to predict the effect of missense changes on protein structure and function are either unavailable or do not agree on the potential impact of this missense change (SIFT: "Deleterious"; PolyPhen-2: "Not Available"; Align-GVGD: "Class C0"). This variant has not been reported in the literature in individuals affected with PDZD7-related conditions. This variant is present in population databases (no rsID available, gnomAD 0.004%).